The following is an entry in ClinVar:

NM_005097.4(LGI1):c.1275C>G (p.Asp425Glu)

Gene: LGI1 (leucine rich glioma inactivated 1; plus strand). Cytogenetic location: 10q23.33.
Variant type: single nucleotide variant.
Coding change: c.1275C>G on transcript NM_005097.4 (MANE Select); coding-DNA position 1275, C replaced by G.
Protein change: p.Asp425Glu; replaces aspartic acid 425 with glutamic acid.
Molecular consequence: missense variant. On other transcripts: non-coding transcript variant (1), intron variant (1).
Genome position (GRCh38, 1-based): chr10:93,797,404, C>G. VCF-style: chr10-93797404-C-G. GRCh37 (hg19) VCF-style: chr10-95557161-C-G.
Other names: c.1131C>G, p.Asp377Glu (NM_001308276.2); c.839-345C>G (NM_001308275.2); short protein forms D377E, D425E.
Identifiers: ClinVar variation 3781131 (VCV003781131.1).

ClinVar aggregate classification (germline): Uncertain significance (1 of 4 stars; one submission).

Submission:

GeneDx
Classification: Uncertain significance. Last evaluated: 2024-10-16. Review status: criteria provided, single submitter. Criteria: GeneDx Variant Classification Process June 2021. Collection method: clinical testing. Allele origin: germline. Affected: yes.
Comment: Not observed at significant frequency in large population cohorts (gnomAD); In silico analysis indicates that this missense variant does not alter protein structure/function; Has not been previously published as pathogenic or benign to our knowledge